The following is an entry in ClinVar:

ClinVar aggregate classification (germline): Likely benign (1 of 4 stars; one submission).

Conditions:
Intellectual developmental disorder with autism and macrocephaly. Also called: Autism, susceptibility to, 18; CHD8-Related Neurodevelopmental Disorder with Overgrowth. Identifiers: Orphanet 642675, MedGen C3554373, MONDO:0014017, OMIM 615032.

gnomAD v4.1: 25 of 1,613,942 alleles (0.0015%); highest among the groups gnomAD compares: South Asian, 0.025%; no homozygotes.

Submission:

Centre for Medical Genetics,  Mumbai
Classification: Likely benign for Intellectual developmental disorder with autism and macrocephaly. Last evaluated: 2026-02-27. Review status: criteria provided, single submitter. Criteria: ACMG Guidelines, 2015. Collection method: provider interpretation. Allele origin: germline. Inheritance: Autosomal dominant inheritance. Affected: no. Observed: 1 variant allele, 1 heterozygote.
Comment: The variant satisfies PM2 criteria; Extremely low frequency in gnomAD population databases. The variant satisfies PP2 criteria; Missense variant in a gene with low rate of benign missense mutations and for which missense mutation is a common mechanism of a disease. However, the variant satisfies BS2 criteria.

Literature cited by the submitters: PubMed 22495309.

NM_001170629.2(CHD8):c.6055C>A (p.Leu2019Met)

Gene: CHD8 (chromodomain helicase DNA binding protein 8; minus strand). Cytogenetic location: 14q11.2.
Variant type: single nucleotide variant.
Coding change: c.6055C>A on transcript NM_001170629.2 (MANE Select); coding-DNA position 6055, C replaced by A.
Protein change: p.Leu2019Met; replaces leucine 2019 with methionine.
Molecular consequence: missense variant.
Genome position (GRCh38, 1-based): chr14:21,393,740, G>T on the plus strand (C>A on the coding strand, the complement: CHD8 is on the minus strand). VCF-style: chr14-21393740-G-T. GRCh37 (hg19) VCF-style: chr14-21861899-G-T.
Other names: c.5218C>A, p.Leu1740Met (NM_020920.4); short protein forms L1740M, L2019M.
Identifiers: ClinVar variation 4819088 (VCV004819088.1).